The following is an entry in ClinVar:

ClinVar aggregate classification (germline): Uncertain significance. Review status: criteria provided, multiple submitters, no conflicts (2 of 4 stars). 5 submissions from 5 submitters: Uncertain significance (4). 1 of the submissions does not count toward it. Last evaluated 2024-03-18.

Conditions:
LRP2-related disorder. Also called: LRP2-related condition.
Inborn genetic diseases. Identifiers: MedGen C0950123, MeSH D030342.
Donnai-Barrow syndrome. Also called: DBS/FOAR SYNDROME; FACIOOCULOACOUSTICORENAL SYNDROME. Identifiers: Orphanet 2143, MedGen C1857277, MONDO:0009104, OMIM 222448.

Allele frequency attached by ClinVar (database versions not stated): ESP Exome Variant Server 0.00023; 1000 Genomes Project 30x 0.00031.

Submissions (5):

Fulgent Genetics
Classification: Uncertain significance for Donnai-Barrow syndrome. Last evaluated: 2024-03-18. Review status: criteria provided, single submitter. Criteria: ACMG Guidelines, 2015. Collection method: clinical testing. Allele origin: germline.

Ambry Genetics
Classification: Uncertain significance for Inborn genetic diseases. Last evaluated: 2022-12-28. Review status: criteria provided, single submitter. Criteria: Ambry Variant Classification Scheme 2023. Collection method: clinical testing. Allele origin: germline.

Labcorp Genetics (formerly Invitae), Labcorp
Classification: Uncertain significance. Last evaluated: 2022-03-10. Review status: criteria provided, single submitter. Criteria: Invitae Variant Classification Sherloc (09022015). Collection method: clinical testing. Allele origin: germline.
Comment: This sequence change replaces valine, which is neutral and non-polar, with alanine, which is neutral and non-polar, at codon 1870 of the LRP2 protein (p.Val1870Ala). This variant is present in population databases (rs148768434, gnomAD 0.05%). This variant has not been reported in the literature in individuals affected with LRP2-related conditions. ClinVar contains an entry for this variant (Variation ID: 1313238). Advanced modeling of protein sequence and biophysical properties (such as structural, functional, and spatial information, amino acid conservation, physicochemical variation, residue mobility, and thermodynamic stability) performed at Invitae indicates that this missense variant is not expected to disrupt LRP2 protein function. In summary, the available evidence is currently insufficient to determine the role of this variant in disease. Therefore, it has been classified as a Variant of Uncertain Significance.

GeneDx
Classification: Uncertain significance. Last evaluated: 2020-10-19. Review status: criteria provided, single submitter. Criteria: GeneDx Variant Classification Process June 2021. Collection method: clinical testing. Allele origin: germline. Affected: yes.
Comment: In silico analysis supports that this missense variant has a deleterious effect on protein structure/function; Has not been previously published as pathogenic or benign to our knowledge

PreventionGenetics, part of Exact Sciences
Classification: Uncertain significance for LRP2-related condition. Last evaluated: 2024-04-10. Review status: no assertion criteria provided. Collection method: clinical testing. Allele origin: germline. Not counted in ClinVar's aggregate classification.
Comment: The LRP2 c.5609T>C variant is predicted to result in the amino acid substitution p.Val1870Ala. To our knowledge, this variant has not been reported in the literature. This variant is reported in 0.048% of alleles in individuals of African descent in gnomAD. At this time, the clinical significance of this variant is uncertain due to the absence of conclusive functional and genetic evidence.

NM_004525.3(LRP2):c.5609T>C (p.Val1870Ala)

Gene: LRP2 (LDL receptor related protein 2; minus strand). Cytogenetic location: 2q31.1.
Variant type: single nucleotide variant.
Coding change: c.5609T>C on transcript NM_004525.3 (MANE Select); coding-DNA position 5609, T replaced by C.
Protein change: p.Val1870Ala; replaces valine 1870 with alanine.
Molecular consequence: missense variant.
Genome position (GRCh38, 1-based): chr2:169,220,493, A>G on the plus strand (T>C on the coding strand, the complement: LRP2 is on the minus strand). VCF-style: chr2-169220493-A-G. GRCh37 (hg19) VCF-style: chr2-170077003-A-G.
Other names: short protein forms V1870A.
Identifiers: ClinVar variation 1313238 (VCV001313238.10), dbSNP rs148768434, ClinGen allele CA1954489.